The following is an entry in ClinVar:

NM_003664.5(AP3B1):c.1101dup (p.Phe368fs)

Gene: AP3B1 (adaptor related protein complex 3 subunit beta 1; minus strand). Cytogenetic location: 5q14.1.
Variant type: Duplication.
Coding change: c.1101dup on transcript NM_003664.5 (MANE Select); coding-DNA position 1101, one base duplicated (G; older notation c.1101dupG).
Protein change: p.Phe368fs; shifts the reading frame from phenylalanine 368.
Molecular consequence: frameshift variant.
Genome position (GRCh38, 1-based): chr5:78,175,692, C duplicated on the plus strand (G on the coding strand, the reverse complement: AP3B1 is on the minus strand). VCF-style (leftmost placement, unchanged base first): chr5-78175691-A-AC. GRCh37 (hg19) VCF-style: chr5-77471515-A-AC.
Other names: c.954dup, p.Phe319fs (NM_001271769.2); short protein forms F319fs, F368fs.
Identifiers: ClinVar variation 1456202 (VCV001456202.6), dbSNP rs1744118616, ClinGen allele CA1557341031.

ClinVar aggregate classification (germline): Pathogenic (1 of 4 stars; one submission).

Conditions:
Hermansky-Pudlak syndrome 2 (HPS2). Also called: Platelet defects and oculocutaneous albinism. Identifiers: Orphanet 183678, Orphanet 79430, MedGen C1842362, MONDO:0011997, OMIM 608233.

Submission:

Labcorp Genetics (formerly Invitae), Labcorp
Classification: Pathogenic for Hermansky-Pudlak syndrome 2. Last evaluated: 2021-01-19. Review status: criteria provided, single submitter. Criteria: Invitae Variant Classification Sherloc (09022015). Collection method: clinical testing. Allele origin: germline.
Comment: For these reasons, this variant has been classified as Pathogenic. Algorithms developed to predict the effect of sequence changes on RNA splicing suggest that this variant may create or strengthen a splice site, but this prediction has not been confirmed by published transcriptional studies. This variant has not been reported in the literature in individuals with AP3B1-related conditions. This variant is not present in population databases (ExAC no frequency). This sequence change creates a premature translational stop signal (p.Phe368Valfs*2) in the AP3B1 gene. It is expected to result in an absent or disrupted protein product. Loss-of-function variants in AP3B1 are known to be pathogenic (PMID: 16507770, 23403622).

Literature cited by the submitters: PubMed 16507770; PubMed 23403622.